The following is an entry in ClinVar:

ClinVar aggregate classification (germline): Uncertain significance (1 of 4 stars; one submission).

Submission:

GeneDx
Classification: Uncertain significance. Last evaluated: 2026-01-23. Review status: criteria provided, single submitter. Criteria: GeneDx Variant Classification Process June 2021. Collection method: clinical testing. Allele origin: germline.
Comment: Not observed at significant frequency in large population cohorts (gnomAD); In silico analysis supports that this missense variant has a deleterious effect on protein structure/function; Has not been previously published as pathogenic or benign to our knowledge

NM_003931.3(WASF1):c.1552C>T (p.Arg518Cys)

Gene: WASF1 (WASP family member 1; minus strand). Cytogenetic location: 6q21.
Variant type: single nucleotide variant.
Coding change: c.1552C>T on transcript NM_003931.3 (MANE Select); coding-DNA position 1552, C replaced by T.
Protein change: p.Arg518Cys; replaces arginine 518 with cysteine.
Molecular consequence: missense variant.
Genome position (GRCh38, 1-based): chr6:110,100,650, G>A on the plus strand (C>T on the coding strand, the complement: WASF1 is on the minus strand). VCF-style: chr6-110100650-G-A. GRCh37 (hg19) VCF-style: chr6-110421853-G-A.
Other names: c.1552C>T, p.Arg518Cys (NM_001024934.2, NM_001024935.2, NM_001024936.2); short protein forms R518C.
Identifiers: ClinVar variation 4975512 (VCV004975512.1).